The following is an entry in ClinVar:

NM_024675.4(PALB2):c.298C>G (p.Leu100Val)

Gene: PALB2 (partner and localizer of BRCA2; minus strand). Cytogenetic location: 16p12.2.
Variant type: single nucleotide variant.
Coding change: c.298C>G on transcript NM_024675.4 (MANE Select); coding-DNA position 298, C replaced by G.
Protein change: p.Leu100Val; replaces leucine 100 with valine.
Molecular consequence: missense variant.
Genome position (GRCh38, 1-based): chr16:23,636,248, G>C on the plus strand (C>G on the coding strand, the complement: PALB2 is on the minus strand). VCF-style: chr16-23636248-G-C. GRCh37 (hg19) VCF-style: chr16-23647569-G-C.
Other names: short protein forms L100V.
Identifiers: ClinVar variation 850218 (VCV000850218.12), dbSNP rs61756147, ClinGen allele CA395138807.

ClinVar aggregate classification (germline): Conflicting classifications of pathogenicity. Review status: criteria provided, conflicting classifications (1 of 4 stars). 2 submissions from 2 submitters: Uncertain significance (1); Likely benign (1). Last evaluated 2025-10-01.

Conditions:
Hereditary cancer-predisposing syndrome. Also called: Tumor predisposition; Neoplastic Syndromes, Hereditary; Hereditary neoplastic syndrome; Hereditary Cancer Syndrome. Identifiers: Orphanet 140162, MedGen C0027672, MeSH D009386, MONDO:0015356.
Familial cancer of breast. Also called: BREAST CANCER, FAMILIAL; Hereditary breast cancer; hereditary breast carcinoma. Identifiers: Orphanet 227535, MedGen C0346153, MONDO:0016419, OMIM 114480. Disease mechanism: loss of function.

Submissions (2):

Ambry Genetics
Classification: Likely benign for Hereditary cancer-predisposing syndrome. Last evaluated: 2025-10-01. Review status: criteria provided, single submitter. Criteria: Ambry Variant Classification Scheme 2023. Collection method: clinical testing. Allele origin: germline.

Labcorp Genetics (formerly Invitae), Labcorp
Classification: Uncertain significance for Familial cancer of breast. Last evaluated: 2019-12-27. Review status: criteria provided, single submitter. Criteria: Invitae Variant Classification Sherloc (09022015). Collection method: clinical testing. Allele origin: germline.
Comment: This variant has not been reported in the literature in individuals with PALB2-related conditions. This variant is not present in population databases (ExAC no frequency). This sequence change replaces leucine with valine at codon 100 of the PALB2 protein (p.Leu100Val). The leucine residue is moderately conserved and there is a small physicochemical difference between leucine and valine. Algorithms developed to predict the effect of missense changes on protein structure and function (SIFT, PolyPhen-2, Align-GVGD) all suggest that this variant is likely to be tolerated, but these predictions have not been confirmed by published functional studies and their clinical significance is uncertain. In summary, the available evidence is currently insufficient to determine the role of this variant in disease. Therefore, it has been classified as a Variant of Uncertain Significance.